The following is an entry in ClinVar:

NM_001079855.2(GYG2):c.377C>T (p.Pro126Leu)

Gene: GYG2 (glycogenin 2; plus strand). Cytogenetic location: Xp22.33.
Variant type: single nucleotide variant.
Coding change: c.377C>T on transcript NM_001079855.2 (MANE Select); coding-DNA position 377, C replaced by T.
Protein change: p.Pro126Leu; replaces proline 126 with leucine.
Molecular consequence: missense variant. On other transcripts: 5 prime UTR variant (1).
Genome position (GRCh38, 1-based): chrX:2,855,045, C>T. VCF-style: chrX-2855045-C-T. GRCh37 (hg19) VCF-style: chrX-2773086-C-T.
Other names: c.377C>T, p.Pro126Leu (NM_001184702.2); c.470C>T, p.Pro157Leu (NM_001184703.2, NM_003918.3); c.-89C>T (NM_001184704.2); short protein forms P126L, P157L.
Identifiers: ClinVar variation 1301657 (VCV001301657.3), dbSNP rs767864277, ClinGen allele CA10337069.
Genomic context (GRCh38, chrX:2,855,045, plus strand): 5'-TTCACCAGGTGCTGTCCAATGTCGATGAGCTGTTTGACAGGGGAGAGTTTTCTGCGGCCC[C>T]GGACCCCGGATGGCCGGATTGCTTCAATAGCGGGGTGTTTGTCTTCCAGCCTTCTCTCCA-3'
Protein context (NP_001073324.1, residues 116-136): LFDRGEFSAA[Pro126Leu]DPGWPDCFNS

ClinVar aggregate classification (germline): Conflicting classifications of pathogenicity. Review status: criteria provided, conflicting classifications (1 of 4 stars). 2 submissions from 2 submitters: Uncertain significance (1); Likely benign (1). Last evaluated 2025-08-06.

Allele frequency attached by ClinVar (database versions not stated): ExAC 0.00001; gnomAD exomes 0.00001 and 0.00002; TOPMed 0.00001; gnomAD 0.00003; 1000 Genomes Project 0.00026; 1000 Genomes Project 30x 0.00042.
gnomAD v4.1: 17 of 1,209,313 alleles (0.0014%); highest among the groups gnomAD compares: Middle Eastern, 0.18%; no homozygotes.

Submissions (2):

Labcorp Genetics (formerly Invitae), Labcorp
Classification: Uncertain significance. Last evaluated: 2025-08-06. Review status: criteria provided, single submitter. Criteria: Invitae Variant Classification Sherloc (09022015). Collection method: clinical testing. Allele origin: germline.
Comment: This sequence change replaces proline, which is neutral and non-polar, with leucine, which is neutral and non-polar, at codon 157 of the GYG2 protein (p.Pro157Leu). This variant is present in population databases (rs767864277, gnomAD 0.008%). This variant has not been reported in the literature in individuals affected with GYG2-related conditions. ClinVar contains an entry for this variant (Variation ID: 1301657). An algorithm developed to predict the effect of missense changes on protein structure and function (PolyPhen-2) suggests that this variant is likely to be disruptive. In summary, the available evidence is currently insufficient to determine the role of this variant in disease. Therefore, it has been classified as a Variant of Uncertain Significance.

Dubai Health Genomic Medicine Center, Dubai Health
Classification: Likely benign. Last evaluated: 2020-07-23. Review status: criteria provided, single submitter. Criteria: ACMG Guidelines, 2015. Collection method: clinical testing. Allele origin: germline. Affected: yes.